The following is an entry in ClinVar:

NM_201384.3(PLEC):c.6802G>A (p.Glu2268Lys)

Gene: PLEC (plectin; minus strand). Cytogenetic location: 8q24.3.
Variant type: single nucleotide variant.
Coding change: c.6802G>A on transcript NM_201384.3 (MANE Select); coding-DNA position 6802, G replaced by A.
Protein change: p.Glu2268Lys; replaces glutamic acid 2268 with lysine.
Molecular consequence: missense variant.
Genome position (GRCh38, 1-based): chr8:143,923,127, C>T on the plus strand (G>A on the coding strand, the complement: PLEC is on the minus strand). VCF-style: chr8-143923127-C-T. GRCh37 (hg19) VCF-style: chr8-144997295-C-T.
Other names: c.6883G>A, p.Glu2295Lys (NM_000445.5); c.6760G>A, p.Glu2254Lys (NM_201378.4); c.6736G>A, p.Glu2246Lys (NM_201379.3); c.7213G>A, p.Glu2405Lys (NM_201380.4); c.6706G>A, p.Glu2236Lys (NM_201381.3); c.6802G>A, p.Glu2268Lys (NM_201382.4); c.6814G>A, p.Glu2272Lys (NM_201383.3); short protein forms E2246K, E2268K, E2272K, E2295K, E2236K, E2254K, E2405K.
Identifiers: ClinVar variation 644346 (VCV000644346.6), dbSNP rs1431539328, ClinGen allele CA372532375.

ClinVar aggregate classification (germline): Uncertain significance (1 of 4 stars; one submission).

Conditions:
Epidermolysis bullosa simplex, Ogna type (EBS5A). Also called: Pidermolysis bullosa simplex 5A, Ogna type; EPIDERMOLYSIS BULLOSA SIMPLEX 5A, OGNA TYPE. Identifiers: Orphanet 79401, MedGen C0432317, MONDO:0007555, OMIM 131950.
Autosomal recessive limb-girdle muscular dystrophy type 2Q (LGMDR17). Also called: MUSCULAR DYSTROPHY, LIMB-GIRDLE, AUTOSOMAL RECESSIVE 17. Identifiers: Orphanet 254361, MedGen C3150989, MONDO:0013390, OMIM 613723.
Epidermolysis bullosa simplex with nail dystrophy (EBS5D). Identifiers: MedGen C4225309, MONDO:0014661, OMIM 616487.
Epidermolysis bullosa simplex 5B, with muscular dystrophy (EBS5B). Also called: Epidermolysis bullosa simplex with muscular dystrophy; EPIDERMOLYSIS BULLOSA SIMPLEX AND LIMB-GIRDLE MUSCULAR DYSTROPHY. Identifiers: Orphanet 257, MedGen C2931072, MONDO:0009181, OMIM 226670.
Epidermolysis bullosa simplex 5C, with pyloric atresia (EBS5C). Also called: PLEC-Related Epidermolysis Bullosa with Pyloric Atresia; Epidermolysis bullosa simplex with pyloric atresia; PLEC1-Related Epidermolysis Bullosa with Pyloric Atresia. Identifiers: Orphanet 158684, MedGen C2677349, MONDO:0012807, OMIM 612138.

Allele frequency attached by ClinVar (database versions not stated): gnomAD exomes 0.00001; gnomAD 0.00002; TOPMed 0.00002.
gnomAD v4.1: 10 of 1,604,344 alleles (0.00062%); highest among the groups gnomAD compares: African/African-American, 0.0013%; no homozygotes.

Submission:

Labcorp Genetics (formerly Invitae), Labcorp
Classification: Uncertain significance for Autosomal recessive limb-girdle muscular dystrophy type 2Q; Epidermolysis bullosa simplex, Ogna type; Epidermolysis bullosa simplex with nail dystrophy; Epidermolysis bullosa simplex 5C, with pyloric atresia; Epidermolysis bullosa simplex 5B, with muscular dystrophy. Last evaluated: 2024-02-16. Review status: criteria provided, single submitter. Criteria: Invitae Variant Classification Sherloc (09022015). Collection method: clinical testing. Allele origin: germline.
Comment: This sequence change replaces glutamic acid, which is acidic and polar, with lysine, which is basic and polar, at codon 2295 of the PLEC protein (p.Glu2295Lys). This variant is not present in population databases (gnomAD no frequency). This variant has not been reported in the literature in individuals affected with PLEC-related conditions. ClinVar contains an entry for this variant (Variation ID: 644346). An algorithm developed to predict the effect of missense changes on protein structure and function (PolyPhen-2) suggests that this variant is likely to be disruptive. In summary, the available evidence is currently insufficient to determine the role of this variant in disease. Therefore, it has been classified as a Variant of Uncertain Significance.